The following is an entry in ClinVar:

ClinVar aggregate classification (germline): Uncertain significance (1 of 4 stars; one submission).

Allele frequency attached by ClinVar (database versions not stated): gnomAD exomes below 0.00001; TOPMed below 0.00001.
gnomAD v4.1: 4 of 1,614,016 alleles (0.00025%); highest among the groups gnomAD compares: East Asian, 0.0045%; no homozygotes.

Submission:

Labcorp Genetics (formerly Invitae), Labcorp
Classification: Uncertain significance. Last evaluated: 2022-09-06. Review status: criteria provided, single submitter. Criteria: Invitae Variant Classification Sherloc (09022015). Collection method: clinical testing. Allele origin: germline.
Comment: In summary, the available evidence is currently insufficient to determine the role of this variant in disease. Therefore, it has been classified as a Variant of Uncertain Significance. Algorithms developed to predict the effect of missense changes on protein structure and function (SIFT, PolyPhen-2, Align-GVGD) all suggest that this variant is likely to be disruptive. This variant has not been reported in the literature in individuals affected with ADGRA3-related conditions. This variant is present in population databases (no rsID available, gnomAD 0.01%). This sequence change replaces asparagine, which is neutral and polar, with serine, which is neutral and polar, at codon 643 of the ADGRA3 protein (p.Asn643Ser).

NM_145290.4(ADGRA3):c.1928A>G (p.Asn643Ser)

Gene: ADGRA3 (adhesion G protein-coupled receptor A3; minus strand). Cytogenetic location: 4p15.2.
Variant type: single nucleotide variant.
Coding change: c.1928A>G on transcript NM_145290.4 (MANE Select); coding-DNA position 1928, A replaced by G.
Protein change: p.Asn643Ser; replaces asparagine 643 with serine.
Molecular consequence: missense variant.
Genome position (GRCh38, 1-based): chr4:22,413,696, T>C on the plus strand (A>G on the coding strand, the complement: ADGRA3 is on the minus strand). VCF-style: chr4-22413696-T-C. GRCh37 (hg19) VCF-style: chr4-22415319-T-C.
Other names: short protein forms N643S.
Identifiers: ClinVar variation 1959499 (VCV001959499.5), dbSNP rs1409169570, ClinGen allele CA356480141.